The following is an entry in ClinVar:

NM_001322934.2(NFKB2):c.2184C>G (p.Phe728Leu)

Gene: NFKB2 (nuclear factor kappa B subunit 2; plus strand). Cytogenetic location: 10q24.32.
Variant type: single nucleotide variant.
Coding change: c.2184C>G on transcript NM_001322934.2 (MANE Select); coding-DNA position 2184, C replaced by G.
Protein change: p.Phe728Leu; replaces phenylalanine 728 with leucine.
Molecular consequence: missense variant.
Genome position (GRCh38, 1-based): chr10:102,401,292, C>G. VCF-style: chr10-102401292-C-G. GRCh37 (hg19) VCF-style: chr10-104161049-C-G.
Other names: c.2184C>G, p.Phe728Leu (NM_001077494.3, NM_001261403.3, NM_001288724.1 and 1 more transcripts); c.2058C>G, p.Phe686Leu (NM_001322935.1); short protein forms F686L, F728L.
Identifiers: ClinVar variation 1522385 (VCV001522385.8), dbSNP rs2061240413, ClinGen allele CA377904284.

ClinVar aggregate classification (germline): Uncertain significance (1 of 4 stars; one submission).

Conditions:
Immunodeficiency, common variable, 10. Also called: IMMUNODEFICIENCY, COMMON VARIABLE, WITH CENTRAL ADRENAL INSUFFICIENCY; DEFICIT IN ANTERIOR PITUITARY FUNCTION AND VARIABLE IMMUNODEFICIENCY. Identifiers: MedGen C3809991, MONDO:0014260, OMIM 615577.

Submission:

Labcorp Genetics (formerly Invitae), Labcorp
Classification: Uncertain significance for Immunodeficiency, common variable, 10. Last evaluated: 2022-03-07. Review status: criteria provided, single submitter. Criteria: Invitae Variant Classification Sherloc (09022015). Collection method: clinical testing. Allele origin: germline.
Comment: In summary, the available evidence is currently insufficient to determine the role of this variant in disease. Therefore, it has been classified as a Variant of Uncertain Significance. Algorithms developed to predict the effect of missense changes on protein structure and function (SIFT, PolyPhen-2, Align-GVGD) all suggest that this variant is likely to be tolerated. This variant has not been reported in the literature in individuals affected with NFKB2-related conditions. This variant is not present in population databases (gnomAD no frequency). This sequence change replaces phenylalanine, which is neutral and non-polar, with leucine, which is neutral and non-polar, at codon 728 of the NFKB2 protein (p.Phe728Leu).